The following is an entry in ClinVar:

ClinVar aggregate classification (germline): Uncertain significance (1 of 4 stars; one submission).

Submission:

Ambry Genetics
Classification: Uncertain significance. Last evaluated: 2022-05-17. Review status: criteria provided, single submitter. Criteria: Ambry Variant Classification Scheme 2023. Collection method: clinical testing. Allele origin: germline.
Comment: The p.R227G variant (also known as c.679C>G), located in coding exon 1 of the EGLN1 gene, results from a C to G substitution at nucleotide position 679. The arginine at codon 227 is replaced by glycine, an amino acid with dissimilar properties. This amino acid position is conserved. In addition, this alteration is predicted to be tolerated by in silico analysis. Since supporting evidence is limited at this time, the clinical significance of this alteration remains unclear.

NM_022051.3(EGLN1):c.679C>G (p.Arg227Gly)

Gene: EGLN1 (egl-9 family hypoxia inducible factor 1; minus strand). Cytogenetic location: 1q42.2.
Variant type: single nucleotide variant.
Coding change: c.679C>G on transcript NM_022051.3 (MANE Select); coding-DNA position 679, C replaced by G.
Protein change: p.Arg227Gly; replaces arginine 227 with glycine.
Molecular consequence: missense variant.
Genome position (GRCh38, 1-based): chr1:231,421,210, G>C on the plus strand (C>G on the coding strand, the complement: EGLN1 is on the minus strand). VCF-style: chr1-231421210-G-C. GRCh37 (hg19) VCF-style: chr1-231556956-G-C.
Other names: c.679C>G, p.Arg227Gly (NM_001377260.1, NM_001377261.1); short protein forms R227G.
Identifiers: ClinVar variation 1755484 (VCV001755484.2), dbSNP rs2527359001, ClinGen allele CA345235933.